The following is an entry in ClinVar:

ClinVar aggregate classification (germline): Conflicting classifications of pathogenicity. Review status: criteria provided, conflicting classifications (1 of 4 stars). 2 submissions from 2 submitters: Uncertain significance (1); Likely benign (1). Last evaluated 2024-12-27.

Conditions:
Hereditary cancer-predisposing syndrome. Also called: Hereditary neoplastic syndrome; Hereditary Cancer Syndrome; Tumor predisposition; Neoplastic Syndromes, Hereditary. Identifiers: Orphanet 140162, MedGen C0027672, MeSH D009386, MONDO:0015356.
Familial adenomatous polyposis 2. Also called: ADENOMAS, MULTIPLE COLORECTAL, AUTOSOMAL RECESSIVE; MUTYH Polyposis; MUTYH-related attenuated familial adenomatous polyposis; Adenomas, multiple colorectal; MUTYH-associated polyposis; COLORECTAL ADENOMATOUS POLYPOSIS, AUTOSOMAL RECESSIVE. Identifiers: Orphanet 220460, Orphanet 247798, MedGen C3272841, MONDO:0012041, OMIM 608456.

Submissions (2):

Ambry Genetics
Classification: Uncertain significance for Hereditary cancer-predisposing syndrome. Last evaluated: 2024-12-27. Review status: criteria provided, single submitter. Criteria: Ambry Variant Classification Scheme 2023. Collection method: clinical testing. Allele origin: germline.
Comment: The c.1347C>T variant (also known as p.I449I), located in coding exon 14 of the MUTYH gene, results from a C to T substitution at nucleotide position 1347. This nucleotide substitution does not change the isoleucine at codon 449. This nucleotide position is well conserved in available vertebrate species. In silico splice site analysis for this alteration is inconclusive. Based on the available evidence, the clinical significance of this variant remains unclear.

Labcorp Genetics (formerly Invitae), Labcorp
Classification: Likely benign for Familial adenomatous polyposis 2. Last evaluated: 2021-06-28. Review status: criteria provided, single submitter. Criteria: Invitae Variant Classification Sherloc (09022015). Collection method: clinical testing. Allele origin: germline.

NM_001048174.2(MUTYH):c.1263C>T (p.Ile421=)

Gene: MUTYH (mutY DNA glycosylase; minus strand). Cytogenetic location: 1p34.1.
Variant type: single nucleotide variant.
Coding change: c.1263C>T on transcript NM_001048174.2 (MANE Select); coding-DNA position 1263, C replaced by T.
Protein change: p.Ile421=; no amino-acid change (isoleucine 421 retained).
Molecular consequence: synonymous variant. On other transcripts: non-coding transcript variant (2).
Genome position (GRCh38, 1-based): chr1:45,331,311, G>A on the plus strand (C>T on the coding strand, the complement: MUTYH is on the minus strand). VCF-style: chr1-45331311-G-A. GRCh37 (hg19) VCF-style: chr1-45796983-G-A.
Other names: c.1347C>T (NM_001128425.1); c.1263C>T, p.Ile421= (NM_001048171.2, NM_001048173.2, NM_001293195.2); c.1266C>T, p.Ile422= (NM_001048172.2); c.1347C>T, p.Ile449= (NM_001128425.2); c.1308C>T, p.Ile436= (NM_001293190.2); c.1296C>T, p.Ile432= (NM_001293191.2); c.987C>T, p.Ile329= (NM_001293192.2, NM_001293196.2); c.918C>T, p.Ile306= (NM_001350650.2, NM_001350651.2); and 1 more.
Identifiers: ClinVar variation 1670959 (VCV001670959.9), dbSNP rs2149114379, ClinGen allele CA417702123.